The following is an entry in ClinVar:

ClinVar aggregate classification (germline): Conflicting classifications of pathogenicity. Review status: criteria provided, conflicting classifications (1 of 4 stars). 2 submissions from 2 submitters: Uncertain significance (1); Likely benign (1). Last evaluated 2025-04-30.

Conditions:
Duchenne muscular dystrophy (DMD). Also called: MUSCULAR DYSTROPHY, PSEUDOHYPERTROPHIC PROGRESSIVE, DUCHENNE TYPE; Duchenne Muscular Dystrophy (DMD). Identifiers: Orphanet 98896, MedGen C0013264, MONDO:0010679, OMIM 310200.
Cardiovascular phenotype. Identifiers: MedGen CN230736.

Allele frequency attached by ClinVar (database versions not stated): ExAC 0.00001; gnomAD 0.00001; TOPMed 0.00001; gnomAD exomes 0.00005.
gnomAD v4.1: 49 of 1,209,981 alleles (0.004%); highest among the groups gnomAD compares: East Asian, 0.15%; no homozygotes.

Submissions (2):

Ambry Genetics
Classification: Likely benign for Cardiovascular phenotype. Last evaluated: 2025-04-30. Review status: criteria provided, single submitter. Criteria: Ambry Variant Classification Scheme 2023. Collection method: clinical testing. Allele origin: germline.

Labcorp Genetics (formerly Invitae), Labcorp
Classification: Uncertain significance for Duchenne muscular dystrophy. Last evaluated: 2024-12-30. Review status: criteria provided, single submitter. Criteria: Invitae Variant Classification Sherloc (09022015). Collection method: clinical testing. Allele origin: germline.
Comment: This sequence change replaces isoleucine, which is neutral and non-polar, with valine, which is neutral and non-polar, at codon 127 of the DMD protein (p.Ile127Val). This variant is present in population databases (rs748643562, gnomAD 0.008%). This variant has not been reported in the literature in individuals affected with DMD-related conditions. ClinVar contains an entry for this variant (Variation ID: 1984918). Invitae Evidence Modeling of protein sequence and biophysical properties (such as structural, functional, and spatial information, amino acid conservation, physicochemical variation, residue mobility, and thermodynamic stability) indicates that this missense variant is not expected to disrupt DMD protein function with a negative predictive value of 95%. In summary, the available evidence is currently insufficient to determine the role of this variant in disease. Therefore, it has been classified as a Variant of Uncertain Significance.

NM_004006.3(DMD):c.379A>G (p.Ile127Val)

Gene: DMD (dystrophin; minus strand). Cytogenetic location: Xp21.1.
Variant type: single nucleotide variant.
Coding change: c.379A>G on transcript NM_004006.3 (MANE Select); coding-DNA position 379, A replaced by G.
Protein change: p.Ile127Val; replaces isoleucine 127 with valine.
Molecular consequence: missense variant.
Genome position (GRCh38, 1-based): chrX:32,816,619, T>C on the plus strand (A>G on the coding strand, the complement: DMD is on the minus strand). VCF-style: chrX-32816619-T-C. GRCh37 (hg19) VCF-style: chrX-32834736-T-C.
Other names: c.355A>G, p.Ile119Val (NM_000109.4); c.367A>G, p.Ile123Val (NM_004009.3); c.10A>G, p.Ile4Val (NM_004010.3); short protein forms I123V, I4V, I119V, I127V.
Identifiers: ClinVar variation 1984918 (VCV001984918.5), dbSNP rs748643562, ClinGen allele CA10380168.